The following is an entry in ClinVar:

ClinVar aggregate classification (germline): Uncertain significance (1 of 4 stars; one submission).

Conditions:
Dilated cardiomyopathy 1G (CMD1G). Identifiers: Orphanet 154, MedGen C1858763, MONDO:0011400, OMIM 604145.
Autosomal recessive limb-girdle muscular dystrophy type 2J (LGMDR10). Also called: Limb-girdle muscular dystrophy, type 2J; MUSCULAR DYSTROPHY, LIMB-GIRDLE, AUTOSOMAL RECESSIVE 10. Identifiers: Orphanet 140922, MedGen C1837342, MONDO:0012127, OMIM 608807.

Allele frequency attached by ClinVar (database versions not stated): gnomAD 0.00001; TOPMed 0.00001; gnomAD exomes 0.00002; ExAC 0.00004.
gnomAD v4.1: 11 of 1,613,760 alleles (0.00068%); highest among the groups gnomAD compares: Non-Finnish European, 0.00076%; no homozygotes.

Submission:

Labcorp Genetics (formerly Invitae), Labcorp
Classification: Uncertain significance for Dilated cardiomyopathy 1G; Autosomal recessive limb-girdle muscular dystrophy type 2J. Last evaluated: 2024-08-28. Review status: criteria provided, single submitter. Criteria: Invitae Variant Classification Sherloc (09022015). Collection method: clinical testing. Allele origin: germline.
Comment: This sequence change replaces alanine, which is neutral and non-polar, with serine, which is neutral and polar, at codon 35193 of the TTN protein (p.Ala35193Ser). This variant is present in population databases (rs763944153, gnomAD 0.005%). This variant has not been reported in the literature in individuals affected with TTN-related conditions. ClinVar contains an entry for this variant (Variation ID: 2046710). Experimental studies and prediction algorithms are not available or were not evaluated, and the functional significance of this variant is currently unknown. This variant is located in the M band of TTN (PMID: 25589632). Non-truncating variants in this region may be relevant for neuromuscular disorders, but have not been definitively shown to cause cardiomyopathy (PMID: 23975875). In summary, the available evidence is currently insufficient to determine the role of this variant in disease. Therefore, it has been classified as a Variant of Uncertain Significance.

Literature cited by the submitters: PubMed 25589632; PubMed 23975875.

NM_001267550.2(TTN):c.105577G>T (p.Ala35193Ser)

Genes: TTN-AS1 (TTN antisense RNA 1; plus strand), TTN (titin; minus strand). Cytogenetic location: 2q31.2.
Variant type: single nucleotide variant.
Coding change: c.105577G>T on transcript NM_001267550.2 (MANE Select); coding-DNA position 105577, G replaced by T.
Protein change: p.Ala35193Ser; replaces alanine 35193 with serine.
Molecular consequence: missense variant.
Genome position (GRCh38, 1-based): chr2:178,531,038, C>A on the plus strand (G>T on the coding strand, the complement: TTN is on the minus strand). VCF-style: chr2-178531038-C-A. GRCh37 (hg19) VCF-style: chr2-179395765-C-A.
Other names: c.100654G>T, p.Ala33552Ser (NM_001256850.1); c.78382G>T, p.Ala26128Ser (NM_003319.4); c.97873G>T, p.Ala32625Ser (NM_133378.4); c.78757G>T, p.Ala26253Ser (NM_133432.3); c.78958G>T, p.Ala26320Ser (NM_133437.4); short protein forms A26320S, A35193S, A33552S, A26253S, A32625S, A26128S.
Identifiers: ClinVar variation 2046710 (VCV002046710.4), dbSNP rs763944153, ClinGen allele CA1985234.